The following is an entry in ClinVar:

ClinVar aggregate classification (germline): Conflicting classifications of pathogenicity. Review status: criteria provided, conflicting classifications (1 of 4 stars). 4 submissions from 4 submitters: Uncertain significance (1); Likely benign (2). 1 of the submissions does not count toward it. Last evaluated 2025-09-21.

Conditions:
Inborn genetic diseases. Identifiers: MedGen C0950123, MeSH D030342.
RNF216-related disorder. Also called: RNF216-related condition.

Allele frequency attached by ClinVar (database versions not stated): ExAC 0.00054; 1000 Genomes Project 30x 0.00141; 1000 Genomes Project 0.00160; ESP Exome Variant Server 0.00169; gnomAD 0.00188 and 0.00197; TOPMed 0.00213.
gnomAD v4.1: 589 of 1,611,076 alleles (0.037%); highest among the groups gnomAD compares: African/African-American, 0.6%; 4 homozygotes.

Submissions (4):

Labcorp Genetics (formerly Invitae), Labcorp
Classification: Likely benign. Last evaluated: 2025-09-21. Review status: criteria provided, single submitter. Criteria: Invitae Variant Classification Sherloc (09022015). Collection method: clinical testing. Allele origin: germline.

Blueprint Genetics
Classification: Uncertain significance. Last evaluated: 2024-11-01. Review status: criteria provided, single submitter. Criteria: ACMG Guidelines, 2015. Collection method: clinical testing. Allele origin: germline.

Ambry Genetics
Classification: Likely benign for Inborn genetic diseases. Last evaluated: 2024-04-23. Review status: criteria provided, single submitter. Criteria: Ambry Variant Classification Scheme 2023. Collection method: clinical testing. Allele origin: germline.

PreventionGenetics, part of Exact Sciences
Classification: Likely benign for RNF216-related condition. Last evaluated: 2019-09-27. Review status: no assertion criteria provided. Collection method: clinical testing. Allele origin: germline. Not counted in ClinVar's aggregate classification.
Comment: This variant is classified as likely benign based on ACMG/AMP sequence variant interpretation guidelines (Richards et al. 2015 PMID: 25741868, with internal and published modifications).

NM_207111.4(RNF216):c.77A>G (p.Asn26Ser)

Gene: RNF216 (ring finger protein 216; minus strand). Cytogenetic location: 7p22.1.
Variant type: single nucleotide variant.
Coding change: c.77A>G on transcript NM_207111.4 (MANE Select); coding-DNA position 77, A replaced by G.
Protein change: p.Asn26Ser; replaces asparagine 26 with serine.
Molecular consequence: missense variant.
Genome position (GRCh38, 1-based): chr7:5,752,970, T>C on the plus strand (A>G on the coding strand, the complement: RNF216 is on the minus strand). VCF-style: chr7-5752970-T-C. GRCh37 (hg19) VCF-style: chr7-5792601-T-C.
Other names: c.77A>G, p.Asn26Ser (NM_207116.3); short protein forms N26S.
Identifiers: ClinVar variation 746259 (VCV000746259.13), dbSNP rs140309187, ClinGen allele CA4148651.